The following is an entry in ClinVar:

ClinVar aggregate classification (germline): Uncertain significance (1 of 4 stars; one submission).

Allele frequency attached by ClinVar (database versions not stated): gnomAD exomes below 0.00001 and 0.00002; ExAC 0.00003; TOPMed 0.00005; gnomAD 0.00006 and 0.00007; ESP Exome Variant Server 0.00008.

Submission:

GeneDx
Classification: Uncertain significance. Last evaluated: 2020-02-05. Review status: criteria provided, single submitter. Criteria: GeneDx Variant Classification Process June 2021. Collection method: clinical testing. Allele origin: germline. Affected: yes.
Comment: Frameshift variant predicted to result in protein truncation or nonsense mediated decay in a gene for which loss-of-function is a known mechanism of disease; Has not been previously published as pathogenic or benign to our knowledge

NM_001040616.3(LINS1):c.154dup (p.Thr52fs)

Gene: LINS1 (lines homolog 1; minus strand). Cytogenetic location: 15q26.3.
Variant type: Duplication.
Coding change: c.154dup on transcript NM_001040616.3 (MANE Select); coding-DNA position 154, one base duplicated (A; older notation c.154dupA).
Protein change: p.Thr52fs; shifts the reading frame from threonine 52.
Molecular consequence: frameshift variant. On other transcripts: 5 prime UTR variant (1), non-coding transcript variant (3).
Genome position (GRCh38, 1-based): chr15:100,580,689, T duplicated on the plus strand (A on the coding strand, the reverse complement: LINS1 is on the minus strand). VCF-style (leftmost placement, unchanged base first): chr15-100580688-G-GT. GRCh37 (hg19) VCF-style: chr15-101120893-G-GT.
Other names: c.-756dup (NM_001352507.2); c.154dup, p.Thr52fs (NM_001352508.2); short protein forms T52fs.
Identifiers: ClinVar variation 1315111 (VCV001315111.2), dbSNP rs752815035, ClinGen allele CA7759761.
Genomic context (GRCh38, chr15:100,580,688, plus strand): 5'-GCTACAGCAATGGGAGCCACACCAACAGAGATGGGCTGATGCCTGCCCTGGATACCACAG[G>GT]TGTTTGCCCATTCTAAGGAGGTGGCTGTAGAACAATCTTGATCTGAAACTGCTGGGTTGA-3'